The following is an entry in ClinVar:

NM_001302084.2(TOP6BL):c.-30+3513A>G

Gene: TOP6BL (TOP6B like initiator of meiotic double strand breaks; plus strand). Cytogenetic location: 11q13.2.
Variant type: single nucleotide variant.
Coding change: c.-30+3513A>G on transcript NM_001302084.2 (MANE Select); 3513 bases into the intron after 30 bases upstream of the start codon, A replaced by G.
Molecular consequence: intron variant. On other transcripts: synonymous variant (1).
Genome position (GRCh38, 1-based): chr11:66,748,432, A>G. VCF-style: chr11-66748432-A-G. GRCh37 (hg19) VCF-style: chr11-66515903-A-G.
Other names: c.84A>G, p.Gly28= (NM_024650.4).
Identifiers: ClinVar variation 3050472 (VCV003050472.2), dbSNP rs750508247, ClinGen allele CA6129819.
Genomic context (GRCh38, chr11:66,748,432, plus strand): 5'-TTTTCAGATTTTGAGATTTTTAATAATTCACTGGAAGTGTGACATAGATGTATCAAAGGG[A>G]GCATTGCTAGAAGGGCAGCTAGTGATTTCCATAGAAGGATTAAATTCTAAGCACCAGGCA-3'

ClinVar aggregate classification (germline): Likely benign (0 of 4 stars; one submission).

Conditions:
TOP6BL-related disorder. Also called: TOP6BL-related condition.

Allele frequency attached by ClinVar (database versions not stated): gnomAD exomes 0.00001; ExAC 0.00005; gnomAD 0.00007; TOPMed 0.00008.
gnomAD v4.1: 30 of 1,548,008 alleles (0.0019%); highest among the groups gnomAD compares: Middle Eastern, 0.05%; no homozygotes.

Submission:

PreventionGenetics, part of Exact Sciences
Classification: Likely benign for TOP6BL-related condition. Last evaluated: 2019-03-19. Review status: no assertion criteria provided. Collection method: clinical testing. Allele origin: germline.
Comment: This variant is classified as likely benign based on ACMG/AMP sequence variant interpretation guidelines (Richards et al. 2015 PMID: 25741868, with internal and published modifications).